The following is an entry in ClinVar:

ClinVar aggregate classification (germline): Uncertain significance. Review status: criteria provided, multiple submitters, no conflicts (2 of 4 stars). 2 submissions from 2 submitters: Uncertain significance (2). Last evaluated 2023-08-17.

Conditions:
Brunner syndrome (BRNRS). Identifiers: Orphanet 3057, MedGen C0796275, MONDO:0010379, OMIM 300615.

Allele frequency attached by ClinVar (database versions not stated): gnomAD exomes 0.00003; ESP Exome Variant Server 0.00009; gnomAD 0.00009 and 0.00010; TOPMed 0.00011.
gnomAD v4.1: 46 of 1,209,050 alleles (0.0038%); highest among the groups gnomAD compares: African/African-American, 0.037%; no homozygotes.

Submissions (2):

Labcorp Genetics (formerly Invitae), Labcorp
Classification: Uncertain significance for Brunner syndrome. Last evaluated: 2023-08-17. Review status: criteria provided, single submitter. Criteria: Invitae Variant Classification Sherloc (09022015). Collection method: clinical testing. Allele origin: germline.
Comment: This sequence change replaces valine, which is neutral and non-polar, with isoleucine, which is neutral and non-polar, at codon 269 of the MAOA protein (p.Val269Ile). This variant is present in population databases (rs150176511, gnomAD 0.02%). This variant has not been reported in the literature in individuals affected with MAOA-related conditions. ClinVar contains an entry for this variant (Variation ID: 1064570). Advanced modeling of protein sequence and biophysical properties (such as structural, functional, and spatial information, amino acid conservation, physicochemical variation, residue mobility, and thermodynamic stability) performed at Invitae indicates that this missense variant is not expected to disrupt MAOA protein function. In summary, the available evidence is currently insufficient to determine the role of this variant in disease. Therefore, it has been classified as a Variant of Uncertain Significance.

UNC Molecular Genetics  Laboratory, University of North Carolina at Chapel Hill
Classification: Uncertain significance for Brunner syndrome. Last evaluated: 2021-01-01. Review status: criteria provided, single submitter. Criteria: ACMG Guidelines, 2015. Collection method: research. Allele origin: germline. Observed: 1 variant allele. Study: CSER_NCGENES.
Comment: The MAOA c.805G>A p.Val269Ile missense variant results in a valine to isoleucine substitution in exon 8 of 15 of the encoded protein. To our knowledge, this variant has not been previously reported in affected individuals in the literature. This variant is is observed in the Genome Aggregation Database (gnomAD) with a minor allele frequency of 0.003% (7/205,150 alleles, 0 homozygotes, 1 hemizygote) in all populations. Other pathogenic missense and truncating variants have been observed in this exon in association with Brunner syndrome. Computational prediction tools and conservation analysis provide conflicting expectations regarding an impact to protein function. This variant is classified as a variant of uncertain significance.

NM_000240.4(MAOA):c.805G>A (p.Val269Ile)

Gene: MAOA (monoamine oxidase A; plus strand). Cytogenetic location: Xp11.3.
Variant type: single nucleotide variant.
Coding change: c.805G>A on transcript NM_000240.4 (MANE Select); coding-DNA position 805, G replaced by A.
Protein change: p.Val269Ile; replaces valine 269 with isoleucine.
Molecular consequence: missense variant.
Genome position (GRCh38, 1-based): chrX:43,731,703, G>A. VCF-style: chrX-43731703-G-A. GRCh37 (hg19) VCF-style: chrX-43590950-G-A.
Other names: c.406G>A, p.Val136Ile (NM_001270458.2); short protein forms V136I, V269I.
Identifiers: ClinVar variation 1064570 (VCV001064570.9), dbSNP rs150176511, ClinGen allele CA329466102.